The following continues an entry in ClinVar:

NM_000051.4(ATM):c.7913G>A (p.Trp2638Ter)

ClinVar aggregate classification (germline): Pathogenic/Likely pathogenic. Pathogenic (21); Likely pathogenic (1).

Submissions 13 to 23 of 23:

Illumina Laboratory Services, Illumina
Classification: Pathogenic for Ataxia-telangiectasia syndrome. Last evaluated: 2024-01-05. Review status: criteria provided, single submitter. Criteria: ICSLVariantClassificationCriteria RUGD 01 April 2020. Collection method: clinical testing. Allele origin: unknown.
Comment: The ATM c.7913G>A p.(Trp2638Ter) nonsense variant is expected to result in the loss of normal protein function through either protein truncation or nonsense-mediated mRNA decay. This variant has been reported in either the homozygous or compound heterozygous state with a pathogenic variant in at least four unrelated individuals with ataxia telangiectasia (PMID: 9711876; 12815592; 15039971). This variant has been classified as pathogenic by at least three submitters in ClinVar. The highest frequency of this allele in the Genome Aggregation Database is 0.00016 in the African/African American population (version 2.1.1). Based on the available evidence, the c.7913G>A p.(Trp2638Ter) variant is classified as pathogenic for ataxia telangiectasia.

Sema4
Classification: Pathogenic for Hereditary cancer-predisposing syndrome. Last evaluated: 2021-04-30. Review status: criteria provided, single submitter. Criteria: Sema4 Curation Guidelines. Collection method: curation. Allele origin: germline.
Comment: The ATM c.7913G>A (p.W2638X) variant has been reported in heterozygosity in multiple individuals with breast (females and males), ovarian, prostate, and colorectal cancers (PMID: 31871109, 31325073, 30128536, 28008555, 27433846, 26681312). It has also been reported in several individuals with ataxia telangiectasia, in both homozygosity and compound heterozygosity with another pathogenic variant (PMID: 9711876, 21965147, 25077176). Functional studies have shown that this variant alters the ATM-dependent kinase activity, as well as protein expression (PMID: 25077176, 14970866). This nonsense variant creates a premature stop codon at residue 2638 of the ATM protein. At this location, this is predicted to cause nonsense-mediated decay and result in an absent protein (loss of function). Loss of function variants in ATM are known to be pathogenic (PMID: 31050087). This variant was observed in 4/24942 chromosomes in the African/African American population, according to the Genome Aggregation Database (PMID: 32461654). This variant has been reported in ClinVar (Variation ID: 141233). Based on the current evidence available, this variant is interpreted as pathogenic.

GeneDx
Classification: Pathogenic. Last evaluated: 2020-12-11. Review status: criteria provided, single submitter. Criteria: GeneDx Variant Classification Process June 2021. Collection method: clinical testing. Allele origin: germline. Affected: yes.
Comment: Nonsense variant predicted to result in protein truncation or nonsense mediated decay in a gene for which loss-of-function is a known mechanism of disease; Observed in the heterozygous state in individuals with ATM-related cancers (Pritchard 2016, Adedokun 2020); This variant is associated with the following publications: (PMID: 25525159, 23774824, 9711876, 28008555, 27433846, 26681312, 24681528, 28301456, 16953663, 28152038, 25614872, 23807571, 12815592, 15039971, 31871109, 30370249, 21965147, 32832836)

Athena Diagnostics
Classification: Pathogenic. Last evaluated: 2020-02-11. Review status: criteria provided, single submitter. Criteria: Athena Diagnostics Criteria. Collection method: clinical testing. Allele origin: unknown.
Comment: The variant creates a premature nonsense codon, and is therefore predicted to result in the loss of a functional protein. Found in at least one patient with expected phenotype for this gene, and found in general population data at a frequency that is consistent with pathogenicity.

Laboratorio de Genetica e Diagnostico Molecular, Hospital Israelita Albert Einstein
Classification: Pathogenic. Last evaluated: 2019-09-25. Review status: criteria provided, single submitter. Criteria: ACMG Guidelines, 2015. Collection method: clinical testing. Allele origin: germline. Affected: yes.
Comment: ACMG classification criteria: PVS1, PS4, PM3

Revvity Omics, Revvity
Classification: Pathogenic for Ataxia-telangiectasia syndrome. Last evaluated: 2019-05-06. Review status: criteria provided, single submitter. Criteria: ACMG Guidelines, 2015. Collection method: clinical testing. Allele origin: germline.

Mendelics
Classification: Pathogenic for Ataxia-telangiectasia syndrome. Last evaluated: 2018-07-02. Review status: criteria provided, single submitter. Criteria: Mendelics Assertion Criteria 2017. Collection method: clinical testing. Allele origin: unknown.

Women's Health and Genetics/Laboratory Corporation of America, LabCorp
Classification: Pathogenic for Ataxia-telangiectasia syndrome. Last evaluated: 2017-05-15. Review status: criteria provided, single submitter. Criteria: LabCorp Variant Classification Summary - May 2015. Collection method: clinical testing. Allele origin: germline.
Comment: Variant summary: The ATM c.7913G>A (p.Trp2638X) variant results in a premature termination codon, predicted to cause a truncated or absent ATM protein due to nonsense mediated decay, which are commonly known mechanisms for disease. Truncations downstream of this position have been classified as pathogenic by our laboratory (e.g. c.8264_8268delATAAG, p.Tyr2755fsX12; c.8266A>T, p.Lys2756X; c.8287C>T, p.Arg2763X; c.8977C>T, p.Arg2993X). The variant of interest has been found in ExAC in 1/120514 control chromosomes at a frequency of 0.0000083, which does not exceed the estimated maximal expected allele frequency of a pathogenic ATM variant (0.0039528). This variant was reported in several patients with Ataxia Telangiectasia (A-T) in homozygous state as well as in compound heterozygous state with other pathogenic/ likely pathogenic variants (Sasaki_Hum Mutat_1998, Coutinho_AmJMedGenet_2004, Demuth_Neurogenetics_2011, Nakamura_Mol Genet Genomic Med_2014). Protein expression and ATM-dependent kinase activity assays from patient cells carrying this variant in heterozygous state and compound heterozygous state with another truncating variant are consistent with the predicted outcome (Fernet_BrJC_2004, Nakamura_Mol Genet Genomic Med_2014). In addition, multiple clinical diagnostic laboratories/reputable databases classified this variant as likely pathogenic/pathogenic. Taken together, this variant is classified as pathogenic.

Center for Genomics, Ann and Robert H. Lurie Children's Hospital of Chicago
Classification: Pathogenic for Ataxia-telangiectasia syndrome; Familial cancer of breast. Review status: criteria provided, single submitter. Criteria: ACMG Guidelines, 2015. Collection method: clinical testing. Allele origin: germline.
Comment: ATM NM_000051 exon 53 p.Trp2638* (c.7913G>A): This variant has been identified as homozygous or compound heterozygous in at least 6 individuals with ataxia telangiectasia (Sasaki 1998 PMID:9711876, Mitui 2003 PMID:12815592, Coutinho 2004 PMID:15039971, Demuth 2011 PMID:21965147). This variant was also identified in at least 2 individuals with colon or prostate cancer (Pritchard 2016 PMID:27433846, Susswein 2016 PMID:26681312). This variant is present in 4/24010 African alleles in the Genome Aggregation Database. Please note, disease causing variants may be present in control databases at low frequencies, reflective of the general population and/or variable expressivity. This variant is present in ClinVar, with several labs classifying this variant as pathogenic or likely pathogenic (Variation ID:141233). Evolutionary conservation and computational predictive tools for this variant are limited or unavailable. This variant creates a premature stop at this codon which results in an absent or abnormal protein. Loss of function variants are a known mechanism of disease for this gene (Huang 2013 PMID:23807571) . In summary, this variant is classified as pathogenic

Genesis Genomics
Classification: Pathogenic for Familial cancer of breast. Review status: criteria provided, single submitter. Criteria: ACMG Guidelines, 2015. Collection method: clinical testing. Allele origin: germline. Affected: yes. Observed: 1 variant allele.

Counsyl
Classification: Likely pathogenic for Ataxia-telangiectasia syndrome. Last evaluated: 2015-02-19. Review status: no assertion criteria provided. Collection method: literature only. Allele origin: unknown. Inheritance: Autosomal recessive inheritance. Not counted in ClinVar's aggregate classification.

Literature cited by the submitters: PubMed 9711876 (cited by 9 submitters); PubMed 12815592 (cited by 6 submitters); PubMed 15039971 (cited by 9 submitters); PubMed 21965147 (cited by 9 submitters); PubMed 26681312 (cited by 6 submitters); PubMed 27433846 (cited by 7 submitters); PVS1: Stop gain variant introduces premature stop codon in gene with loss of function as mechanism of disease, predicted to undergo NMD (cited by Otogenetics); PM3_Strong: Variant reported in homozygous state in one affected individual and in trans with one pathogenic variant in one individual affected with confident phenotypes of ataxia telangiectasia (PMID: 21965147) (cited by Otogenetics); PM5_Supporting: Truncating variant causes premature stop codon upstream of p.Arg3047 (PMID: 39317201) (cited by Otogenetics); PubMed 23807571 (cited by Labcorp Genetics (formerly Invitae), Labcorp); PubMed 25614872 (cited by Labcorp Genetics (formerly Invitae), Labcorp); PubMed 28008555 (cited by 4 submitters); PubMed 31871109 (cited by 4 submitters); PubMed 35353237 (cited by Color Diagnostics, LLC DBA Color Health); PubMed 31325073 (cited by Sema4 and Athena Diagnostics); PubMed 30128536 (cited by Sema4); PubMed 25077176 (cited by Sema4); PubMed 14970866 (cited by 3 submitters); PubMed 31050087 (cited by Sema4); PubMed 16953663 (cited by Athena Diagnostics).